The following is an entry in ClinVar:

NM_173598.6(KSR2):c.2581G>T (p.Gly861Cys)

Gene: KSR2 (kinase suppressor of ras 2; minus strand). Cytogenetic location: 12q24.22.
Variant type: single nucleotide variant.
Coding change: c.2581G>T on transcript NM_173598.6 (MANE Select); coding-DNA position 2581, G replaced by T.
Protein change: p.Gly861Cys; replaces glycine 861 with cysteine.
Molecular consequence: missense variant.
Genome position (GRCh38, 1-based): chr12:117,476,465, C>A on the plus strand (G>T on the coding strand, the complement: KSR2 is on the minus strand). VCF-style: chr12-117476465-C-A. GRCh37 (hg19) VCF-style: chr12-117914270-C-A.
Other names: short protein forms G861C.
Identifiers: ClinVar variation 3347683 (VCV003347683.1).

ClinVar aggregate classification (germline): Uncertain significance (0 of 4 stars; one submission).

Conditions:
KSR2-related disorder. Also called: KSR2-related condition.

Submission:

PreventionGenetics, part of Exact Sciences
Classification: Uncertain significance for KSR2-related condition. Last evaluated: 2024-05-29. Review status: no assertion criteria provided. Collection method: clinical testing. Allele origin: germline.
Comment: The KSR2 c.2494G>T variant is predicted to result in the amino acid substitution p.Gly832Cys. To our knowledge, this variant has not been reported in the literature or in a large population database, indicating this variant is rare. At this time, the clinical significance of this variant is uncertain due to the absence of conclusive functional and genetic evidence.